The following is an entry in ClinVar:

ClinVar aggregate classification (germline): Conflicting classifications of pathogenicity. Review status: criteria provided, conflicting classifications (1 of 4 stars). 6 submissions from 6 submitters: Uncertain significance (5); Likely benign (1). Last evaluated 2025-12-21.

Conditions:
Inborn genetic diseases. Identifiers: MedGen C0950123, MeSH D030342.
LAMA2-related muscular dystrophy (LAMA2-RD). Also called: Laminin alpha 2-related dystrophy. Identifiers: MedGen C5679788, MONDO:0100228.

Allele frequency attached by ClinVar (database versions not stated): gnomAD exomes 0.00010 and 0.00017; gnomAD 0.00014 and 0.00015; TOPMed 0.00015; ExAC 0.00016; 1000 Genomes Project 0.00020; 1000 Genomes Project 30x 0.00031; ESP Exome Variant Server 0.00031.
gnomAD v4.1: 174 of 1,614,204 alleles (0.011%); highest among the groups gnomAD compares: Middle Eastern, 0.049%; no homozygotes.

Submissions (6):

Labcorp Genetics (formerly Invitae), Labcorp
Classification: Likely benign for LAMA2-related muscular dystrophy. Last evaluated: 2025-12-21. Review status: criteria provided, single submitter. Criteria: Invitae Variant Classification Sherloc (09022015). Collection method: clinical testing. Allele origin: germline.

Ambry Genetics
Classification: Uncertain significance for Inborn genetic diseases. Last evaluated: 2025-11-13. Review status: criteria provided, single submitter. Criteria: Ambry Variant Classification Scheme 2023. Collection method: clinical testing. Allele origin: germline.

Blueprint Genetics
Classification: Uncertain significance. Last evaluated: 2024-06-14. Review status: criteria provided, single submitter. Criteria: ACMG Guidelines, 2015. Collection method: clinical testing. Allele origin: germline.

Athena Diagnostics
Classification: Uncertain significance. Last evaluated: 2022-12-05. Review status: criteria provided, single submitter. Criteria: Athena Diagnostics Criteria. Collection method: clinical testing. Allele origin: unknown.
Comment: Available data are insufficient to determine the clinical significance of the variant at this time. The frequency of this variant in the general population is uninformative in assessment of its pathogenicity. Computational tools predict that this variant is not damaging.

Mayo Clinic Laboratories, Mayo Clinic
Classification: Uncertain significance. Last evaluated: 2021-04-05. Review status: criteria provided, single submitter. Criteria: ACMG Guidelines, 2015. Collection method: clinical testing. Allele origin: germline.

Revvity Omics, Revvity
Classification: Uncertain significance. Last evaluated: 2020-08-20. Review status: criteria provided, single submitter. Criteria: ACMG Guidelines, 2015. Collection method: clinical testing. Allele origin: germline.

NM_000426.4(LAMA2):c.3628A>G (p.Ile1210Val)

Gene: LAMA2 (laminin subunit alpha 2; plus strand). Cytogenetic location: 6q22.33.
Variant type: single nucleotide variant.
Coding change: c.3628A>G on transcript NM_000426.4 (MANE Select); coding-DNA position 3628, A replaced by G.
Protein change: p.Ile1210Val; replaces isoleucine 1210 with valine.
Molecular consequence: missense variant.
Genome position (GRCh38, 1-based): chr6:129,315,548, A>G. VCF-style: chr6-129315548-A-G. GRCh37 (hg19) VCF-style: chr6-129636693-A-G.
Other names: c.3628A>G, p.Ile1210Val (NM_001079823.2); short protein forms I1210V.
Identifiers: ClinVar variation 477462 (VCV000477462.24), dbSNP rs147291222, ClinGen allele CA3993321.